The following is an entry in ClinVar:

ClinVar aggregate classification (germline): Uncertain significance (1 of 4 stars; one submission).

Allele frequency attached by ClinVar (database versions not stated): TOPMed 0.00002; gnomAD 0.00003.
gnomAD v4.1: 4 of 1,613,922 alleles (0.00025%); highest among the groups gnomAD compares: African/African-American, 0.0053%; no homozygotes.

Submission:

Labcorp Genetics (formerly Invitae), Labcorp
Classification: Uncertain significance. Last evaluated: 2024-04-10. Review status: criteria provided, single submitter. Criteria: Invitae Variant Classification Sherloc (09022015). Collection method: clinical testing. Allele origin: germline.
Comment: This sequence change replaces histidine, which is basic and polar, with tyrosine, which is neutral and polar, at codon 77 of the POLG2 protein (p.His77Tyr). This variant is present in population databases (no rsID available, gnomAD 0.02%). This variant has not been reported in the literature in individuals affected with POLG2-related conditions. An algorithm developed to predict the effect of missense changes on protein structure and function (PolyPhen-2) suggests that this variant is likely to be tolerated. In summary, the available evidence is currently insufficient to determine the role of this variant in disease. Therefore, it has been classified as a Variant of Uncertain Significance.

NM_007215.4(POLG2):c.229C>T (p.His77Tyr)

Genes: MILR1 (mast cell immunoglobulin like receptor 1; plus strand), POLG2 (DNA polymerase gamma 2, accessory subunit; minus strand). Cytogenetic location: 17q23.3.
Variant type: single nucleotide variant.
Coding change: c.229C>T on transcript NM_007215.4 (MANE Select); coding-DNA position 229, C replaced by T.
Protein change: p.His77Tyr; replaces histidine 77 with tyrosine.
Molecular consequence: missense variant.
Genome position (GRCh38, 1-based): chr17:64,496,740, G>A on the plus strand (C>T on the coding strand, the complement: POLG2 is on the minus strand). VCF-style: chr17-64496740-G-A. GRCh37 (hg19) VCF-style: chr17-62492858-G-A.
Other names: short protein forms H77Y.
Identifiers: ClinVar variation 2909393 (VCV002909393.3), dbSNP rs1297179988, ClinGen allele CA400641374.